The following is an entry in ClinVar:

ClinVar aggregate classification (germline): Pathogenic. Review status: criteria provided, multiple submitters, no conflicts (2 of 4 stars). 3 submissions from 3 submitters: Pathogenic (2). 1 of the submissions does not count toward it. Last evaluated 2025-11-05.

Conditions:
PRKAR1A-related disorder. Also called: PRKAR1A-related condition.
Hereditary cancer-predisposing syndrome. Also called: Neoplastic Syndromes, Hereditary; Hereditary Cancer Syndrome; Tumor predisposition; Hereditary neoplastic syndrome. Identifiers: Orphanet 140162, MedGen C0027672, MeSH D009386, MONDO:0015356.
Carney complex, type 1 (CNC1). Also called: CARNEY MYXOMA-ENDOCRINE COMPLEX; CARNEY COMPLEX, TYPE I. Identifiers: Orphanet 1359, MedGen C2607929, MONDO:0008057, OMIM 160980.

Submissions (3):

3billion
Classification: Pathogenic for PRKAR1A-related disorder. Last evaluated: 2025-11-05. Review status: criteria provided, single submitter. Criteria: ACMG Guidelines, 2015. Collection method: clinical testing. Allele origin: germline. Affected: yes.
Comment: The variant is not observed in the gnomAD v4.1.0 dataset. Predicted Consequence/Location: Frameshift: predicted to result in a loss or disruption of normal protein function through nonsense-mediated decay (NMD) or protein truncation. Multiple pathogenic variants are reported downstream of the variant. The variant has been reported to be associated with PRKAR1A-related disorder (ClinVar ID: VCV000012667 /PMID: 10974026). Therefore, this variant is classified as Pathogenic according to the recommendation of ACMG/AMP guideline.

Ambry Genetics
Classification: Pathogenic for Hereditary cancer-predisposing syndrome. Last evaluated: 2023-04-19. Review status: criteria provided, single submitter. Criteria: Ambry Variant Classification Scheme 2023. Collection method: clinical testing. Allele origin: germline.
Comment: The c.761_762delCT pathogenic mutation, located in coding exon 7 of the PRKAR1A gene, results from a deletion of two nucleotides at nucleotide positions 761 to 762, causing a translational frameshift with a predicted alternate stop codon (p.S254Yfs*15). This alteration has been observed in at least one individual with a personal and/or family history that is consistent with PRKAR1A-related disease (Ambry internal data). This variant is considered to be rare based on population cohorts in the Genome Aggregation Database (gnomAD). Loss-of-function variants subject to nonsense mediated decay (NMD) in PRKAR1A are known to cause Carney complex; however, such associations with acrodysostosis have not been reported (Michot. et al. Eur J Hum Genet 26, 1611&ndash;1622 (2018); Bertherat J et al. J Clin Endocrinol Metab. 2009 Jun;94(6):2085-91; Jafari N et al. Proc Natl Acad Sci U S A. 2021 May 25;118(21):e2024716118). In addition to the clinical data presented in the literature, this alteration is expected to result in loss of function by premature protein truncation or nonsense-mediated mRNA decay. Based on the supporting evidence, this alteration is pathogenic for Carney complex; however, the association of this alteration with acrodysostosis is unlikely.

OMIM
Classification: Pathogenic for CARNEY COMPLEX, TYPE 1. Last evaluated: 2000-09-01. Review status: no assertion criteria provided. Collection method: literature only. Allele origin: germline. Not counted in ClinVar's aggregate classification.

Literature cited by the submitters: PubMed 10974026 (cited by 3billion and OMIM).

NM_002734.5(PRKAR1A):c.761_762del (p.Ser254fs)

Gene: PRKAR1A (protein kinase cAMP-dependent type I regulatory subunit alpha; plus strand). Cytogenetic location: 17q24.2.
Variant type: Microsatellite.
Coding change: c.761_762del on transcript NM_002734.5 (MANE Select); coding-DNA positions 761 to 762, 2 bases deleted (CT; older notation c.761_762delCT).
Protein change: p.Ser254fs; shifts the reading frame from serine 254.
Molecular consequence: frameshift variant.
Genome position (GRCh38, 1-based): chr17:68,527,892-68,527,893, CT deleted; deleting any 2 consecutive bases within chr17:68,527,889-68,527,893 gives the same sequence; the c. name uses the placement nearest the transcript's 3' end. VCF-style (leftmost placement, unchanged base first): chr17-68527888-GTC-G. GRCh37 (hg19) VCF-style: chr17-66524029-GTC-G.
Other names: c.761_762del, p.Ser254fs (NM_001276289.2, NM_001276290.1, NM_001278433.2 and 4 more transcripts); c.761_762delCT (NM_002734.3); short protein forms S254fs.
Identifiers: ClinVar variation 12667 (VCV000012667.6), dbSNP rs2509431075, ClinGen allele CA2580613238.